The following is an entry in ClinVar:

ClinVar aggregate classification (germline): Uncertain significance (1 of 4 stars; one submission).

Allele frequency attached by ClinVar (database versions not stated): gnomAD exomes below 0.00001; TOPMed below 0.00001.
gnomAD v4.1: 1 of 1,614,106 alleles (0.000062%); highest among the groups gnomAD compares: Admixed American, 0.0017%; no homozygotes.

Submission:

Labcorp Genetics (formerly Invitae), Labcorp
Classification: Uncertain significance. Last evaluated: 2024-09-18. Review status: criteria provided, single submitter. Criteria: Invitae Variant Classification Sherloc (09022015). Collection method: clinical testing. Allele origin: germline.
Comment: This sequence change replaces isoleucine, which is neutral and non-polar, with valine, which is neutral and non-polar, at codon 272 of the PRPF3 protein (p.Ile272Val). This variant is present in population databases (no rsID available, gnomAD 0.003%). This variant has not been reported in the literature in individuals affected with PRPF3-related conditions. ClinVar contains an entry for this variant (Variation ID: 2099479). Invitae Evidence Modeling of protein sequence and biophysical properties (such as structural, functional, and spatial information, amino acid conservation, physicochemical variation, residue mobility, and thermodynamic stability) indicates that this missense variant is not expected to disrupt PRPF3 protein function with a negative predictive value of 80%. In summary, the available evidence is currently insufficient to determine the role of this variant in disease. Therefore, it has been classified as a Variant of Uncertain Significance.

NM_004698.4(PRPF3):c.814A>G (p.Ile272Val)

Gene: PRPF3 (pre-mRNA processing factor 3; plus strand). Cytogenetic location: 1q21.2.
Variant type: single nucleotide variant.
Coding change: c.814A>G on transcript NM_004698.4 (MANE Select); coding-DNA position 814, A replaced by G.
Protein change: p.Ile272Val; replaces isoleucine 272 with valine.
Molecular consequence: missense variant. On other transcripts: non-coding transcript variant (4).
Genome position (GRCh38, 1-based): chr1:150,335,020, A>G. VCF-style: chr1-150335020-A-G. GRCh37 (hg19) VCF-style: chr1-150307491-A-G.
Other names: c.409A>G, p.Ile137Val (NM_001350529.1); short protein forms I137V, I272V.
Identifiers: ClinVar variation 2099479 (VCV002099479.4), dbSNP rs1553866860, ClinGen allele CA342294054.